The following is an entry in ClinVar:

NM_001369.3(DNAH5):c.10113dup (p.Asp3372fs)

Gene: DNAH5 (dynein axonemal heavy chain 5; minus strand). Cytogenetic location: 5p15.2.
Variant type: Duplication.
Coding change: c.10113dup on transcript NM_001369.3 (MANE Select); coding-DNA position 10113, one base duplicated (A; older notation c.10113dupA).
Protein change: p.Asp3372fs; shifts the reading frame from aspartic acid 3372.
Molecular consequence: frameshift variant.
Genome position (GRCh38, 1-based): chr5:13,762,890, T duplicated on the plus strand (A on the coding strand, the reverse complement: DNAH5 is on the minus strand); the first of 4 consecutive T bases (chr5:13,762,890-13,762,893); duplicating any one gives the same sequence. VCF-style (leftmost placement, unchanged base first): chr5-13762889-C-CT. GRCh37 (hg19) VCF-style: chr5-13762998-C-CT.
Other names: short protein forms D3372fs.
Identifiers: ClinVar variation 2859260 (VCV002859260.3), dbSNP rs2546641227, ClinGen allele CA2739274606.

ClinVar aggregate classification (germline): Pathogenic (1 of 4 stars; one submission).

Conditions:
Primary ciliary dyskinesia. Also called: Ciliary dyskinesia. Identifiers: Orphanet 244, MedGen C0008780, MONDO:0016575, HP:0012265.

Submission:

Labcorp Genetics (formerly Invitae), Labcorp
Classification: Pathogenic for Primary ciliary dyskinesia. Last evaluated: 2023-04-25. Review status: criteria provided, single submitter. Criteria: Invitae Variant Classification Sherloc (09022015). Collection method: clinical testing. Allele origin: germline.
Comment: This variant has not been reported in the literature in individuals affected with DNAH5-related conditions. For these reasons, this variant has been classified as Pathogenic. This variant is not present in population databases (gnomAD no frequency). This sequence change creates a premature translational stop signal (p.Asp3372Argfs*5) in the DNAH5 gene. It is expected to result in an absent or disrupted protein product. Loss-of-function variants in DNAH5 are known to be pathogenic (PMID: 11788826, 16627867).

Literature cited by the submitters: PubMed 11788826; PubMed 16627867.